The following is an entry in ClinVar:

ClinVar aggregate classification (germline): Uncertain significance. Review status: criteria provided, multiple submitters, no conflicts (2 of 4 stars). 3 submissions from 3 submitters: Uncertain significance (3). Last evaluated 2025-09-02.

Conditions:
Hereditary cancer-predisposing syndrome. Also called: Neoplastic Syndromes, Hereditary; Tumor predisposition; Hereditary Cancer Syndrome; Hereditary neoplastic syndrome. Identifiers: Orphanet 140162, MedGen C0027672, MeSH D009386, MONDO:0015356.
Familial cancer of breast. Also called: BREAST CANCER, FAMILIAL; Hereditary breast cancer; hereditary breast carcinoma. Identifiers: Orphanet 227535, MedGen C0346153, MONDO:0016419, OMIM 114480. Disease mechanism: loss of function.

Submissions (3):

Ambry Genetics
Classification: Uncertain significance for Hereditary cancer-predisposing syndrome. Last evaluated: 2025-09-02. Review status: criteria provided, single submitter. Criteria: Ambry Variant Classification Scheme 2023. Collection method: clinical testing. Allele origin: germline.
Comment: The p.C620R variant (also known as c.1858T>C), located in coding exon 9 of the BARD1 gene, results from a T to C substitution at nucleotide position 1858. The cysteine at codon 620 is replaced by arginine, an amino acid with highly dissimilar properties. This amino acid position is highly conserved in available vertebrate species. In addition, the in silico prediction for this alteration is inconclusive. Since supporting evidence is limited at this time, the clinical significance of this alteration remains unclear.

Labcorp Genetics (formerly Invitae), Labcorp
Classification: Uncertain significance for Familial cancer of breast. Last evaluated: 2025-07-02. Review status: criteria provided, single submitter. Criteria: Invitae Variant Classification Sherloc (09022015). Collection method: clinical testing. Allele origin: germline.
Comment: This sequence change replaces cysteine, which is neutral and slightly polar, with arginine, which is basic and polar, at codon 620 of the BARD1 protein (p.Cys620Arg). This variant is not present in population databases (gnomAD no frequency). This variant has not been reported in the literature in individuals affected with BARD1-related conditions. ClinVar contains an entry for this variant (Variation ID: 187361). An algorithm developed to predict the effect of missense changes on protein structure and function (PolyPhen-2) suggests that this variant is likely to be disruptive. In summary, the available evidence is currently insufficient to determine the role of this variant in disease. Therefore, it has been classified as a Variant of Uncertain Significance.

Color Diagnostics, LLC DBA Color Health
Classification: Uncertain significance for Hereditary cancer-predisposing syndrome. Last evaluated: 2025-03-31. Review status: criteria provided, single submitter. Criteria: ACMG Guidelines, 2015. Collection method: clinical testing. Allele origin: germline.
Comment: This missense variant replaces cysteine with arginine at codon 620 of the BARD1 protein. Computational prediction is inconclusive regarding the impact of this variant on protein structure and function. To our knowledge, functional studies have not been reported for this variant. This variant has not been reported in individuals affected with BARD1-related disorders in the literature. This variant has not been identified in the general population by the Genome Aggregation Database (gnomAD). The available evidence is insufficient to determine the role of this variant in disease conclusively. Therefore, this variant is classified as a Variant of Uncertain Significance.

NM_000465.4(BARD1):c.1858T>C (p.Cys620Arg)

Gene: BARD1 (BRCA1 associated RING domain 1; minus strand). Cytogenetic location: 2q35.
Variant type: single nucleotide variant.
Coding change: c.1858T>C on transcript NM_000465.4 (MANE Select); coding-DNA position 1858, T replaced by C.
Protein change: p.Cys620Arg; replaces cysteine 620 with arginine.
Molecular consequence: missense variant. On other transcripts: non-coding transcript variant (3), intron variant (1).
Genome position (GRCh38, 1-based): chr2:214,745,112, A>G on the plus strand (T>C on the coding strand, the complement: BARD1 is on the minus strand). VCF-style: chr2-214745112-A-G. GRCh37 (hg19) VCF-style: chr2-215609836-A-G.
Other names: c.1801T>C, p.Cys601Arg (NM_001282543.2); c.505T>C, p.Cys169Arg (NM_001282545.2); c.448T>C, p.Cys150Arg (NM_001282548.2); c.365-14604T>C (NM_001282549.2); short protein forms C620R, C150R, C601R, C169R.
Identifiers: ClinVar variation 187361 (VCV000187361.19), dbSNP rs786203673, ClinGen allele CA197457.